The following is an entry in ClinVar:

NM_001330078.2(NRXN1):c.164G>C (p.Ser55Thr)

Gene: NRXN1 (neurexin 1; minus strand). Cytogenetic location: 2p16.3.
Variant type: single nucleotide variant.
Coding change: c.164G>C on transcript NM_001330078.2 (MANE Select); coding-DNA position 164, G replaced by C.
Protein change: p.Ser55Thr; replaces serine 55 with threonine.
Molecular consequence: missense variant.
Genome position (GRCh38, 1-based): chr2:51,028,110, C>G on the plus strand (G>C on the coding strand, the complement: NRXN1 is on the minus strand). VCF-style: chr2-51028110-C-G. GRCh37 (hg19) VCF-style: chr2-51255248-C-G.
Other names: c.164G>C, p.Ser55Thr (NM_001135659.3, NM_001330077.2, NM_001330079.2 and 15 more transcripts); short protein forms S55T.
Identifiers: ClinVar variation 1427946 (VCV001427946.6), dbSNP rs2105333752, ClinGen allele CA346824561.

ClinVar aggregate classification (germline): Uncertain significance (1 of 4 stars; one submission).

Conditions:
Pitt-Hopkins-like syndrome 2 (PTHSL2). Identifiers: Orphanet 221150, Orphanet 600663, MedGen C3280479, MONDO:0013690, OMIM 614325.

Allele frequency attached by ClinVar (database versions not stated): gnomAD exomes below 0.00001.
gnomAD v4.1: 1 of 1,576,414 alleles (0.000063%); highest among the groups gnomAD compares: Non-Finnish European, 0.000086%; no homozygotes.

Submission:

Labcorp Genetics (formerly Invitae), Labcorp
Classification: Uncertain significance for Pitt-Hopkins-like syndrome 2. Last evaluated: 2021-12-17. Review status: criteria provided, single submitter. Criteria: Invitae Variant Classification Sherloc (09022015). Collection method: clinical testing. Allele origin: germline.
Comment: This sequence change replaces serine, which is neutral and polar, with threonine, which is neutral and polar, at codon 55 of the NRXN1 protein (p.Ser55Thr). In summary, the available evidence is currently insufficient to determine the role of this variant in disease. Therefore, it has been classified as a Variant of Uncertain Significance. Algorithms developed to predict the effect of missense changes on protein structure and function output the following: SIFT: "Deleterious"; PolyPhen-2: "Probably Damaging"; Align-GVGD: "Class C0". The threonine amino acid residue is found in multiple mammalian species, which suggests that this missense change does not adversely affect protein function. This variant has not been reported in the literature in individuals affected with NRXN1-related conditions. This variant is not present in population databases (gnomAD no frequency).